The following is an entry in ClinVar:

ClinVar aggregate classification (germline): Uncertain significance. Review status: criteria provided, multiple submitters, no conflicts (2 of 4 stars). 2 submissions from 2 submitters: Uncertain significance (2). Last evaluated 2021-09-25.

Allele frequency attached by ClinVar (database versions not stated): gnomAD exomes 0.00001 and 0.00003; gnomAD 0.00002; TOPMed 0.00003.
gnomAD v4.1: 12 of 1,546,896 alleles (0.00078%); highest among the groups gnomAD compares: African/African-American, 0.0027%; no homozygotes.

Submissions (2):

Labcorp Genetics (formerly Invitae), Labcorp
Classification: Uncertain significance. Last evaluated: 2021-09-25. Review status: criteria provided, single submitter. Criteria: Invitae Variant Classification Sherloc (09022015). Collection method: clinical testing. Allele origin: germline.
Comment: This sequence change replaces tyrosine with cysteine at codon 2400 of the EYS protein (p.Tyr2400Cys). The tyrosine residue is highly conserved and there is a large physicochemical difference between tyrosine and cysteine. This variant is not present in population databases (ExAC no frequency). This variant has not been reported in the literature in individuals affected with EYS-related conditions. Algorithms developed to predict the effect of missense changes on protein structure and function output the following: SIFT: "Deleterious"; PolyPhen-2: "Possibly Damaging"; Align-GVGD: "Class C25". The cysteine amino acid residue is found in multiple mammalian species, which suggests that this missense change does not adversely affect protein function. In summary, the available evidence is currently insufficient to determine the role of this variant in disease. Therefore, it has been classified as a Variant of Uncertain Significance.

Blueprint Genetics
Classification: Uncertain significance. Last evaluated: 2018-11-02. Review status: criteria provided, single submitter. Criteria: ACMG Guidelines, 2015. Collection method: clinical testing. Allele origin: germline.

NM_001142800.2(EYS):c.7199A>G (p.Tyr2400Cys)

Gene: EYS (EGF-like photoreceptor maintenance factor; minus strand). Cytogenetic location: 6q12.
Variant type: single nucleotide variant.
Coding change: c.7199A>G on transcript NM_001142800.2 (MANE Select); coding-DNA position 7199, A replaced by G.
Protein change: p.Tyr2400Cys; replaces tyrosine 2400 with cysteine.
Molecular consequence: missense variant.
Genome position (GRCh38, 1-based): chr6:63,864,215, T>C on the plus strand (A>G on the coding strand, the complement: EYS is on the minus strand). VCF-style: chr6-63864215-T-C. GRCh37 (hg19) VCF-style: chr6-64574108-T-C.
Other names: c.7199A>G, p.Tyr2400Cys (NM_001292009.2); short protein forms Y2400C.
Identifiers: ClinVar variation 1491232 (VCV001491232.4), dbSNP rs200471206, ClinGen allele CA140252573.
Genomic context (GRCh38, chr6:63,864,215, plus strand): 5'-TGCTCCATGTTTAATAATCAAATGCTCTTACCATCAGTGCAGAGGGGTCCAGACCTCCCA[T>C]ATGGGCAGAGGCAGACAATATCTGTTCCGGATTTTGGAACACAGGTGGCACCATTTCCAC-3'
Protein context (NP_001136272.1, residues 2390-2410): SGTDIVCLCP[Tyr2400Cys]GRSGPLCTDA